The following is an entry in ClinVar:

ClinVar aggregate classification (germline): Uncertain significance (1 of 4 stars; one submission).

Submission:

GeneDx
Classification: Uncertain significance. Last evaluated: 2024-04-23. Review status: criteria provided, single submitter. Criteria: GeneDx Variant Classification Process June 2021. Collection method: clinical testing. Allele origin: germline. Affected: yes.
Comment: Not observed at significant frequency in large population cohorts (gnomAD); In silico analysis supports that this missense variant does not alter protein structure/function; Has not been previously published as pathogenic or benign to our knowledge

NM_015192.4(PLCB1):c.1465A>G (p.Thr489Ala)

Gene: PLCB1 (phospholipase C beta 1; plus strand). Cytogenetic location: 20p12.3.
Variant type: single nucleotide variant.
Coding change: c.1465A>G on transcript NM_015192.4 (MANE Select); coding-DNA position 1465, A replaced by G.
Protein change: p.Thr489Ala; replaces threonine 489 with alanine.
Molecular consequence: missense variant.
Genome position (GRCh38, 1-based): chr20:8,717,800, A>G. VCF-style: chr20-8717800-A-G. GRCh37 (hg19) VCF-style: chr20-8698447-A-G.
Other names: c.1465A>G, p.Thr489Ala (NM_182734.3); short protein forms T489A.
Identifiers: ClinVar variation 1706673 (VCV001706673.3), dbSNP rs13043353, ClinGen allele CA408201498.